The following is an entry in ClinVar:

NM_033380.3(COL4A5):c.4297G>A (p.Gly1433Ser)

Gene: COL4A5 (collagen type IV alpha 5 chain; plus strand). Cytogenetic location: Xq22.3.
Variant type: single nucleotide variant.
Coding change: c.4297G>A on transcript NM_033380.3 (MANE Select); coding-DNA position 4297, G replaced by A.
Protein change: p.Gly1433Ser; replaces glycine 1433 with serine.
Molecular consequence: missense variant.
Genome position (GRCh38, 1-based): chrX:108,686,111, G>A. VCF-style: chrX-108686111-G-A. GRCh37 (hg19) VCF-style: chrX-107929341-G-A.
Other names: c.4279G>A, p.Gly1427Ser (NM_000495.5); short protein forms G1427S, G1433S.
Identifiers: ClinVar variation 4532144 (VCV004532144.1).

ClinVar aggregate classification (germline): Pathogenic (1 of 4 stars; one submission).

Conditions:
X-linked Alport syndrome (ATS1). Also called: NEPHROPATHY AND DEAFNESS, X-LINKED; COL4A5-Related Nephropathy. Identifiers: Orphanet 63, Orphanet 88917, MedGen C4746986, MONDO:0010520, OMIM 301050.

gnomAD v4.1: 1 of 1,209,621 alleles (0.000083%); highest among the groups gnomAD compares: Non-Finnish European, 0.00011%; no homozygotes.

Submission:

Victorian Clinical Genetics Services, Murdoch Childrens Research Institute
Classification: Pathogenic for X-linked Alport syndrome. Last evaluated: 2025-10-30. Review status: criteria provided, single submitter. Criteria: ACMG Guidelines, 2015. Collection method: clinical testing. Allele origin: germline. Affected: yes.
Comment: This variant is classified as Pathogenic. Evidence in support of pathogenic classification: Variant is present in gnomAD <0.001 for a dominant condition (v4: 1 heterozygote(s), 0 homozygote(s), 0 hemizygote(s)); Other missense variants comparable to the one identified in this case have strong previous evidence for pathogenicity. The p.(Gly1433Val), p.(Gly1433Ala), p.(Gly1433Arg), and p.(Gly1433Cys) variants have all been reported in the literature in individuals presenting with Alport-related phenotypes (PMID: 10094548, 33202306, 32117450, 21505094, 30586318, 15954103); Variant is located in the well-established triple helical G-X-Y repeat region and affects a glycine residue (DECIPHER); Missense variant predicted to be damaging by in silico tool(s) or highly conserved with a major amino acid change. Additional information: Variant is predicted to result in a missense amino acid change from Gly to Ser; This variant is hemizygous; This gene is associated with X-linked dominant disease. Males are typically more severely affected than females (PMID: 19965530); Previous evidence of pathogenicity for this variant is inconclusive. Additionally, it has been reported in an individual with haematuria from the 100,000 Genomes project (PMID: 34400539); No published evidence of segregation with disease has been identified for this variant; Dominant negative and loss of function are known mechanisms of disease in this gene and are associated with X-linked Alport syndrome 1 (MIM#301050). Dominant negative is caused mostly by glycine substitutions that affect the conformation of the protein, and loss of function can be caused by variants resulting in a premature termination codon or missense variants (PMID: 24046192, 12028435); Variants in this gene are known to have variable expressivity. There is intrafamilial variability among affected females, thought to be due to variable X-inactivation (PMID: 14514738); Inheritance information for this variant is not currently available in this individual.

Literature cited by the submitters: PubMed 24046192; PubMed 32117450; PubMed 10094548; PubMed 30586318; PubMed 35005319; PubMed 12028435; PubMed 14514738; PubMed 19965530; PubMed 34400539; PubMed 33202306; PubMed 21505094; PubMed 15954103.